The following is an entry in ClinVar:

ClinVar aggregate classification (germline): Uncertain significance (1 of 4 stars; one submission).

Submission:

Greenwood Genetic Center Diagnostic Laboratories, Greenwood Genetic Center
Classification: Uncertain significance. Last evaluated: 2025-12-12. Review status: criteria provided, single submitter. Criteria: ACMG Guidelines, 2015. Collection method: clinical testing. Allele origin: germline. Affected: yes.
Comment: PM2, PP2

NM_000827.4(GRIA1):c.2385+775G>C

Gene: GRIA1 (glutamate ionotropic receptor AMPA type subunit 1; plus strand). Cytogenetic location: 5q33.2.
Variant type: single nucleotide variant.
Coding change: c.2385+775G>C on transcript NM_000827.4 (MANE Select); 775 bases into the intron after coding-DNA position 2385, G replaced by C.
Molecular consequence: intron variant. On other transcripts: missense variant (5), non-coding transcript variant (1).
Genome position (GRCh38, 1-based): chr5:153,795,510, G>C. VCF-style: chr5-153795510-G-C. GRCh37 (hg19) VCF-style: chr5-153175070-G-C.
Other names: c.2145+775G>C (NM_001258019.2); c.2178+775G>C (NM_001258023.1); c.2415+775G>C (NM_001258021.2); c.2305G>C, p.Glu769Gln (NM_001114183.2); c.2020G>C, p.Glu674Gln (NM_001258020.2); c.2335G>C, p.Glu779Gln (NM_001258022.2); c.2332G>C, p.Glu778Gln (NM_001364166.2); c.2098G>C, p.Glu700Gln (NM_001364167.2); and 1 more; short protein forms E674Q, E700Q, E769Q, E778Q, E779Q.
Identifiers: ClinVar variation 4845528 (VCV004845528.1).